The following is an entry in ClinVar:

NM_000834.5(GRIN2B):c.3838_3839dup (p.Tyr1281fs)

Gene: GRIN2B (glutamate ionotropic receptor NMDA type subunit 2B; minus strand). Cytogenetic location: 12p13.1.
Variant type: Duplication.
Coding change: c.3838_3839dup on transcript NM_000834.5 (MANE Select); coding-DNA positions 3838 to 3839, 2 bases duplicated (AA; older notation c.3838_3839dupAA).
Protein change: p.Tyr1281fs; shifts the reading frame from tyrosine 1281.
Molecular consequence: frameshift variant.
Genome position (GRCh38, 1-based): chr12:13,563,399-13,563,400, TT duplicated on the plus strand (AA on the coding strand, the reverse complement: GRIN2B is on the minus strand). VCF-style (leftmost placement, unchanged base first): chr12-13563398-C-CTT. GRCh37 (hg19) VCF-style: chr12-13716332-C-CTT.
Other names: c.3838_3839dup, p.Tyr1281fs (NM_001413992.1); short protein forms Y1281fs.
Identifiers: ClinVar variation 3905929 (VCV003905929.10).

ClinVar aggregate classification (germline): Likely pathogenic (1 of 4 stars; one submission).

Submission:

CeGaT Center for Human Genetics Tuebingen
Classification: Likely pathogenic. Last evaluated: 2025-05-01. Review status: criteria provided, single submitter. Criteria: CeGaT Center For Human Genetics Tuebingen Variant Classification Criteria Version 2. Collection method: clinical testing. Allele origin: germline. Affected: yes. Observed: 1 variant allele.
Comment: GRIN2B: PVS1:Strong, PM2